The following is an entry in ClinVar:

ClinVar aggregate classification (germline): Likely pathogenic (1 of 4 stars; one submission).

Conditions:
RYR1-related disorder. Also called: RYR1-related condition; RYR1-related disorders. Identifiers: MedGen CN239331.

Submission:

PreventionGenetics, part of Exact Sciences
Classification: Likely pathogenic for RYR1-related condition. Last evaluated: 2024-11-25. Review status: criteria provided, single submitter. Criteria: ACMG Guidelines, 2015. Collection method: clinical testing. Allele origin: germline.
Comment: The RYR1 c.5581C>T variant is predicted to result in premature protein termination (p.Gln1861*). To our knowledge, this variant has not been reported in the literature or in a large population database, indicating this variant is rare. Nonsense variants in RYR1 are expected to be pathogenic. This variant is interpreted as likely pathogenic.

NM_000540.3(RYR1):c.5581C>T (p.Gln1861Ter)

Gene: RYR1 (ryanodine receptor 1; plus strand). Cytogenetic location: 19q13.2.
Variant type: single nucleotide variant.
Coding change: c.5581C>T on transcript NM_000540.3 (MANE Select); coding-DNA position 5581, C replaced by T.
Protein change: p.Gln1861Ter; replaces glutamine 1861 with a stop codon.
Molecular consequence: nonsense.
Genome position (GRCh38, 1-based): chr19:38,489,210, C>T. VCF-style: chr19-38489210-C-T. GRCh37 (hg19) VCF-style: chr19-38979850-C-T.
Other names: c.5581C>T, p.Gln1861Ter (NM_001042723.2); short protein forms Q1861*.
Identifiers: ClinVar variation 3344859 (VCV003344859.2).